The following is an entry in ClinVar:

NM_018136.5(ASPM):c.3945_3946del (p.Arg1315fs)

Gene: ASPM (assembly factor for spindle microtubules; minus strand). Cytogenetic location: 1q31.3.
Variant type: Microsatellite.
Coding change: c.3945_3946del on transcript NM_018136.5 (MANE Select); coding-DNA positions 3945 to 3946, 2 bases deleted (AG; older notation c.3945_3946delAG).
Protein change: p.Arg1315fs; shifts the reading frame from arginine 1315.
Molecular consequence: frameshift variant.
Genome position (GRCh38, 1-based): chr1:197,117,908-197,117,909, CT deleted on the plus strand (AG on the coding strand, the reverse complement: ASPM is on the minus strand); deleting any 2 consecutive bases within chr1:197,117,908-197,117,911 gives the same sequence; the c. name uses the placement nearest the transcript's 3' end. VCF-style (leftmost placement, unchanged base first): chr1-197117907-ACT-A. GRCh37 (hg19) VCF-style: chr1-197087037-ACT-A.
Other names: c.3945_3946del, p.Arg1315fs (NM_001206846.2); short protein forms R1315fs.
Identifiers: ClinVar variation 157815 (VCV000157815.8), dbSNP rs587783240, ClinGen allele CA271034.

ClinVar aggregate classification (germline): Pathogenic. Review status: criteria provided, multiple submitters, no conflicts (2 of 4 stars). 3 submissions from 3 submitters: Pathogenic (3). Last evaluated 2023-04-11.

Conditions:
Microcephaly 5, primary, autosomal recessive (MCPH5). Also called: ASPM Primary Microcephaly. Identifiers: Orphanet 2512, MedGen C1837501, MONDO:0012106, OMIM 608716.

Submissions (3):

Genome-Nilou Lab
Classification: Pathogenic for Microcephaly 5, primary, autosomal recessive. Last evaluated: 2023-04-11. Review status: criteria provided, single submitter. Criteria: ACMG Guidelines, 2015. Collection method: clinical testing. Allele origin: germline. Affected: no.

GeneDx
Classification: Pathogenic. Last evaluated: 2018-09-25. Review status: criteria provided, single submitter. Criteria: GeneDx Variant Classification (06012015). Collection method: clinical testing. Allele origin: germline. Affected: yes.
Comment: The c.3945_3946delAG pathogenic variant in the ASPM gene has been reported previously with c.8171_8194delGAAA in an individual with primary autosomal recessive microcephaly (MCPH); however the phase was unknown ( Passemard et al., 2009). The c.3945_3946delAG variant is not observed in large population cohorts (Lek et al., 2016; 1000 Genomes Consortium et al., 2015; Exome Variant Server). The pathogenic variant causes a frameshift starting with codon Arginine 1315, changes this amino acid to a Serine residue and creates a premature Stop codon at position 2 of the new reading frame, denoted p.R1315SfsX2. This pathogenic variant is predicted to cause loss of normal protein function either through protein truncation or nonsense-mediated mRNA decay.

Genetic Services Laboratory, University of Chicago
Classification: Pathogenic for Microcephaly 5, primary, autosomal recessive. Last evaluated: 2013-02-08. Review status: criteria provided, single submitter. Criteria: ACMG Guidelines, 2007. Collection method: clinical testing. Allele origin: germline. Inheritance: Autosomal recessive inheritance. Affected: yes.